The following is an entry in ClinVar:

ClinVar aggregate classification (germline): Benign (1 of 4 stars; one submission).

Allele frequency attached by ClinVar (database versions not stated): 1000 Genomes Project 30x 0.15584; 1000 Genomes Project 0.15855.
gnomAD v4.1: 142,328 of 1,091,092 alleles (13%); highest among the groups gnomAD compares: Admixed American, 26%; 10,417 homozygotes.

Submission:

Unidad de Genómica Garrahan, Hospital de Pediatría Garrahan
Classification: Benign. Last evaluated: 2024-01-24. Review status: criteria provided, single submitter. Criteria: ACMG Guidelines, 2015. Collection method: clinical testing. Allele origin: germline. Affected: no. Observed: 25 variant alleles.
Comment: This variant is classified as Benign based on local population frequency. This variant was detected in 26% of patients studied by a panel of primary immunodeficiencies. Number of patients: 25. Only high quality variants are reported.

NM_001144958.2(CRACR2A):c.229-92A>C

Gene: CRACR2A (calcium release activated channel regulator 2A; minus strand). Cytogenetic location: 12p13.32.
Variant type: single nucleotide variant.
Coding change: c.229-92A>C on transcript NM_001144958.2 (MANE Select); 92 bases into the intron before coding-DNA position 229, A replaced by C.
Molecular consequence: intron variant.
Genome position (GRCh38, 1-based): chr12:3,680,441, T>G on the plus strand (A>C on the coding strand, the complement: CRACR2A is on the minus strand). VCF-style: chr12-3680441-T-G. GRCh37 (hg19) VCF-style: chr12-3789607-T-G.
Other names: c.229-92A>C (NM_032680.4).
Identifiers: ClinVar variation 2688281 (VCV002688281.2), dbSNP rs17780600, ClinGen allele CA13704882.
Genomic context (GRCh38, chr12:3,680,441, plus strand): 5'-CTGACACTCACTGGTGGGGGAGGTGACCTGGGACTGCAGAGCCTTCTGCCAGAAAGTGTC[T>G]AGAGTTCGGCCCAGTCCTACAAAAGCCAGTAGAAAGCTTCTGCATCCAGACTGCTTCACC-3'